The following is an entry in ClinVar:

NM_170606.3(KMT2C):c.13477T>C (p.Cys4493Arg)

Gene: KMT2C (lysine methyltransferase 2C; minus strand). Cytogenetic location: 7q36.1.
Variant type: single nucleotide variant.
Coding change: c.13477T>C on transcript NM_170606.3 (MANE Select); coding-DNA position 13477, T replaced by C.
Protein change: p.Cys4493Arg; replaces cysteine 4493 with arginine.
Molecular consequence: missense variant.
Genome position (GRCh38, 1-based): chr7:152,148,450, A>G on the plus strand (T>C on the coding strand, the complement: KMT2C is on the minus strand). VCF-style: chr7-152148450-A-G. GRCh37 (hg19) VCF-style: chr7-151845535-A-G.
Other names: short protein forms C4493R.
Identifiers: ClinVar variation 2430399 (VCV002430399.1), dbSNP rs2129095273, ClinGen allele CA370090949.
Genomic context (GRCh38, chr7:152,148,450, plus strand): 5'-CATGAATTCCCTTTGGTTTGTGCATGGGGCAAAGCATAGTTTTGTCCTTAAAAAACATGC[A>G]TTGTGCTTTAATGGCGCAAGTGAAGTGATAAATGTTGGTGCATCGAAATCTGTGGCATCC-3'
Protein context (NP_733751.2, residues 4483-4503): YHFTCAIKAQ[Cys4493Arg]MFFKDKTMLC

ClinVar aggregate classification (germline): Uncertain significance (1 of 4 stars; one submission).

Submission:

GeneDx
Classification: Uncertain significance. Last evaluated: 2022-08-16. Review status: criteria provided, single submitter. Criteria: GeneDx Variant Classification Process June 2021. Collection method: clinical testing. Allele origin: germline. Affected: yes.
Comment: Not observed at significant frequency in large population cohorts (gnomAD); In silico analysis supports that this missense variant has a deleterious effect on protein structure/function; Has not been previously published as pathogenic or benign to our knowledge.